The following is an entry in ClinVar:

NM_001148.6(ANK2):c.8776A>C (p.Ser2926Arg)

Gene: ANK2 (ankyrin 2; plus strand). Cytogenetic location: 4q26.
Variant type: single nucleotide variant.
Coding change: c.8776A>C on transcript NM_001148.6 (MANE Select); coding-DNA position 8776, A replaced by C.
Protein change: p.Ser2926Arg; replaces serine 2926 with arginine.
Molecular consequence: missense variant. On other transcripts: intron variant (68).
Genome position (GRCh38, 1-based): chr4:113,357,394, A>C. VCF-style: chr4-113357394-A-C. GRCh37 (hg19) VCF-style: chr4-114278550-A-C.
Other names: c.8542A>C, p.Ser2848Arg (NM_001386142.1); c.5176A>C, p.Ser1726Arg (NM_001386166.1); c.8917A>C, p.Ser2973Arg (NM_001386174.1); c.8893A>C, p.Ser2965Arg (NM_001386175.1); c.4412-3429A>C (NM_001386186.2, NM_001386148.2); c.4214-3429A>C (NM_001354269.3); c.4292-3429A>C (NM_001386187.2); c.4253-3429A>C (NM_001386147.1); and 35 more; short protein forms S2848R, S2926R, S2973R, S2965R, S1726R.
Identifiers: ClinVar variation 1764621 (VCV001764621.2), dbSNP rs1253836373, ClinGen allele CA357934802.

ClinVar aggregate classification (germline): Uncertain significance (1 of 4 stars; one submission).

Conditions:
Cardiovascular phenotype. Identifiers: MedGen CN230736.

Allele frequency attached by ClinVar (database versions not stated): TOPMed below 0.00001; gnomAD 0.00001; gnomAD exomes 0.00002.
gnomAD v4.1: 19 of 1,613,938 alleles (0.0012%); highest among the groups gnomAD compares: Non-Finnish European, 0.0016%; no homozygotes.

Submission:

Ambry Genetics
Classification: Uncertain significance for Cardiovascular phenotype. Last evaluated: 2020-11-12. Review status: criteria provided, single submitter. Criteria: Ambry Variant Classification Scheme 2023. Collection method: clinical testing. Allele origin: germline.
Comment: The p.S2926R variant (also known as c.8776A>C), located in coding exon 38 of the ANK2 gene, results from an A to C substitution at nucleotide position 8776. The serine at codon 2926 is replaced by arginine, an amino acid with dissimilar properties. This amino acid position is highly conserved in available vertebrate species. In addition, the in silico prediction for this alteration is inconclusive. Since supporting evidence is limited at this time, the clinical significance of this alteration remains unclear.